The following is an entry in ClinVar:

ClinVar aggregate classification (germline): Uncertain significance (1 of 4 stars; one submission).

gnomAD v4.1: 1 of 1,613,618 alleles (0.000062%); highest among the groups gnomAD compares: Non-Finnish European, 0.000085%; no homozygotes.

Submission:

Labcorp Genetics (formerly Invitae), Labcorp
Classification: Uncertain significance. Last evaluated: 2025-07-14. Review status: criteria provided, single submitter. Criteria: Invitae Variant Classification Sherloc (09022015). Collection method: clinical testing. Allele origin: germline.
Comment: This sequence change replaces threonine, which is neutral and polar, with alanine, which is neutral and non-polar, at codon 39 of the DHX37 protein (p.Thr39Ala). This variant is not present in population databases (gnomAD no frequency). This variant has not been reported in the literature in individuals affected with DHX37-related conditions. An algorithm developed to predict the effect of missense changes on protein structure and function outputs the following: PolyPhen-2: "Benign". The alanine amino acid residue is found in multiple mammalian species, which suggests that this missense change does not adversely affect protein function. In summary, the available evidence is currently insufficient to determine the role of this variant in disease. Therefore, it has been classified as a Variant of Uncertain Significance.

NM_032656.4(DHX37):c.115A>G (p.Thr39Ala)

Gene: DHX37 (DEAH-box helicase 37; minus strand). Cytogenetic location: 12q24.31.
Variant type: single nucleotide variant.
Coding change: c.115A>G on transcript NM_032656.4 (MANE Select); coding-DNA position 115, A replaced by G.
Protein change: p.Thr39Ala; replaces threonine 39 with alanine.
Molecular consequence: missense variant.
Genome position (GRCh38, 1-based): chr12:124,986,257, T>C on the plus strand (A>G on the coding strand, the complement: DHX37 is on the minus strand). VCF-style: chr12-124986257-T-C. GRCh37 (hg19) VCF-style: chr12-125470803-T-C.
Other names: short protein forms T39A.
Identifiers: ClinVar variation 4809660 (VCV004809660.1).
Genomic context (GRCh38, chr12:124,986,257, plus strand): 5'-TCTTCTTTTTCTTCTTCCCCGGTAGAACGAGCGCGTTGCTTGCATCAACTCCCTTCAACG[T>C]GTCCTTGTCTGAGAGAGCACAGTTATTAAGTCCCCATTCTCCTTGAGGTAGCTCTGGTCC-3'
Protein context (NP_116045.2, residues 29-49): PVQLELEDKD[Thr39Ala]LKGVDASNAL